The following is an entry in ClinVar:

ClinVar aggregate classification (germline): Benign. Review status: criteria provided, multiple submitters, no conflicts (2 of 4 stars). 2 submissions from 2 submitters: Benign (2). Last evaluated 2013-12-26.

Allele frequency attached by ClinVar (database versions not stated): ESP Exome Variant Server 0.04167; ExAC 0.02369; gnomAD 0.03627 and 0.03854; TOPMed 0.03917; gnomAD exomes 0.01323; 1000 Genomes Project 30x 0.04029; 1000 Genomes Project 0.03954.
gnomAD v4.1: 19,994 of 1,484,520 alleles (1.3%); highest among the groups gnomAD compares: African/African-American, 11%; 538 homozygotes.

Submissions (2):

GeneDx
Classification: Benign. Last evaluated: 2013-12-26. Review status: criteria provided, single submitter. Criteria: GeneDx Variant Classification (06012015). Collection method: clinical testing. Allele origin: germline. Affected: yes.
Comment: This variant is considered likely benign or benign based on one or more of the following criteria: it is a conservative change, it occurs at a poorly conserved position in the protein, it is predicted to be benign by multiple in silico algorithms, and/or has population frequency not consistent with disease.

Breakthrough Genomics
Classification: Benign. Review status: criteria provided, single submitter. Criteria: ACMG Guidelines, 2015. Collection method: not provided. Allele origin: germline. Inheritance: Autosomal recessive inheritance. Affected: yes.

NM_012062.5(DNM1L):c.-32G>T

Gene: DNM1L (dynamin 1 like; plus strand). Cytogenetic location: 12p11.21.
Variant type: single nucleotide variant.
Coding change: c.-32G>T on transcript NM_012062.5 (MANE Select); 32 bases upstream of the start codon, G replaced by T.
Molecular consequence: 5 prime UTR variant.
Genome position (GRCh38, 1-based): chr12:32,679,332, G>T. VCF-style: chr12-32679332-G-T. GRCh37 (hg19) VCF-style: chr12-32832266-G-T.
Other names: c.-32G>T (NM_001278463.2, NM_001278464.2, NM_001278465.2 and 3 more transcripts); c.-237G>T (NM_001278466.2).
Identifiers: ClinVar variation 137129 (VCV000137129.2), dbSNP rs114505859, ClinGen allele CA290654.
Genomic context (GRCh38, chr12:32,679,332, plus strand): 5'-GGCGGAGGAGAGGAGGAAGGAGGCGAACTGTGGGCCCCGGCCCCATTCATTGCCGTGGCC[G>T]GCGGGCACTGGGGCCCCGTGTTTTCAGAGTCATGGAGGCGCTAATTCCTGTCATAAACAA-3'